The following is an entry in ClinVar:

NC_000002.11:g.(?_217311721)_(217347700_?)del

Gene: SMARCAL1 (SNF2 related chromatin remodeling annealing helicase 1; plus strand). Cytogenetic location: 2q35.
Variant type: Deletion.
Identifiers: ClinVar variation 3247220 (VCV003247220.1).

ClinVar aggregate classification (germline): Pathogenic (1 of 4 stars; one submission).

Conditions:
Schimke immuno-osseous dysplasia (SIOD). Also called: Schimke Immunoosseous Dysplasia. Identifiers: Orphanet 1830, MedGen C0877024, MONDO:0009458, OMIM 242900.

Submission:

Labcorp Genetics (formerly Invitae), Labcorp
Classification: Pathogenic for Schimke immuno-osseous dysplasia. Last evaluated: 2023-05-15. Review status: criteria provided, single submitter. Criteria: Invitae Variant Classification Sherloc (09022015). Collection method: clinical testing. Allele origin: unknown.
Comment: For these reasons, this variant has been classified as Pathogenic. This variant disrupts a region of the SMARCAL1 protein in which other variant(s) (p.Arg820His) have been determined to be pathogenic (PMID: 11799392, 30026777). This suggests that this is a clinically significant region of the protein, and that variants that disrupt it are likely to be disease-causing. This variant has not been reported in the literature in individuals affected with SMARCAL1-related conditions. This variant is a gross deletion of the genomic region encompassing exon(s) 11-18 of the SMARCAL1 gene, which includes the termination codon. This deletion extends beyond the assayed region for this gene and therefore may encompass additional genes. While this deletion is not anticipated to lead to nonsense mediated decay, it is expected to alter mRNA translation or result in a truncated protein product.

Literature cited by the submitters: PubMed 11799392; PubMed 30026777.